The following is an entry in ClinVar:

NM_001122752.2(SERPINI1):c.1162A>C (p.Ile388Leu)

Gene: SERPINI1 (serpin family I member 1; plus strand). Cytogenetic location: 3q26.1.
Variant type: single nucleotide variant.
Coding change: c.1162A>C on transcript NM_001122752.2 (MANE Select); coding-DNA position 1162, A replaced by C.
Protein change: p.Ile388Leu; replaces isoleucine 388 with leucine.
Molecular consequence: missense variant.
Genome position (GRCh38, 1-based): chr3:167,825,252, A>C. VCF-style: chr3-167825252-A-C. GRCh37 (hg19) VCF-style: chr3-167543040-A-C.
Other names: c.1162A>C, p.Ile388Leu (NM_005025.5); short protein forms I388L.
Identifiers: ClinVar variation 951408 (VCV000951408.9), dbSNP rs1712477543, ClinGen allele CA355158012.

ClinVar aggregate classification (germline): Uncertain significance (1 of 4 stars; one submission).

Conditions:
Familial encephalopathy with neuroserpin inclusion bodies. Also called: ENCEPHALOPATHY, FAMILIAL, WITH COLLINS BODIES. Identifiers: Orphanet 85110, MedGen C1858680, MONDO:0011412, OMIM 604218.

Submission:

Labcorp Genetics (formerly Invitae), Labcorp
Classification: Uncertain significance for Familial encephalopathy with neuroserpin inclusion bodies. Last evaluated: 2019-08-14. Review status: criteria provided, single submitter. Criteria: Invitae Variant Classification Sherloc (09022015). Collection method: clinical testing. Allele origin: germline.
Comment: This sequence change replaces isoleucine with leucine at codon 388 of the SERPINI1 protein (p.Ile388Leu). The isoleucine residue is moderately conserved and there is a small physicochemical difference between isoleucine and leucine. In summary, the available evidence is currently insufficient to determine the role of this variant in disease. Therefore, it has been classified as a Variant of Uncertain Significance. Algorithms developed to predict the effect of missense changes on protein structure and function are either unavailable or do not agree on the potential impact of this missense change (SIFT: "Tolerated"; PolyPhen-2: "Benign"; Align-GVGD: "Class C0"). This variant has not been reported in the literature in individuals with SERPINI1-related conditions. This variant is not present in population databases (ExAC no frequency).